The following is an entry in ClinVar:

NM_030667.3(PTPRO):c.1289A>C (p.Glu430Ala)

Gene: PTPRO (protein tyrosine phosphatase receptor type O; plus strand). Cytogenetic location: 12p12.3.
Variant type: single nucleotide variant.
Coding change: c.1289A>C on transcript NM_030667.3 (MANE Select); coding-DNA position 1289, A replaced by C.
Protein change: p.Glu430Ala; replaces glutamic acid 430 with alanine.
Molecular consequence: missense variant.
Genome position (GRCh38, 1-based): chr12:15,508,592, A>C. VCF-style: chr12-15508592-A-C. GRCh37 (hg19) VCF-style: chr12-15661526-A-C.
Other names: c.1289A>C, p.Glu430Ala (NM_002848.4); short protein forms E430A.
Identifiers: ClinVar variation 1955965 (VCV001955965.5), dbSNP rs754865532, ClinGen allele CA6466490.

ClinVar aggregate classification (germline): Uncertain significance (1 of 4 stars; one submission).

Allele frequency attached by ClinVar (database versions not stated): ExAC 0.00001; TOPMed 0.00001.
gnomAD v4.1: 6 of 1,614,060 alleles (0.00037%); highest among the groups gnomAD compares: Non-Finnish European, 0.00051%; no homozygotes.

Submission:

Labcorp Genetics (formerly Invitae), Labcorp
Classification: Uncertain significance. Last evaluated: 2022-07-04. Review status: criteria provided, single submitter. Criteria: Invitae Variant Classification Sherloc (09022015). Collection method: clinical testing. Allele origin: germline.
Comment: In summary, the available evidence is currently insufficient to determine the role of this variant in disease. Therefore, it has been classified as a Variant of Uncertain Significance. Algorithms developed to predict the effect of missense changes on protein structure and function (SIFT, PolyPhen-2, Align-GVGD) all suggest that this variant is likely to be disruptive. This variant has not been reported in the literature in individuals affected with PTPRO-related conditions. This variant is present in population databases (rs754865532, gnomAD 0.002%). This sequence change replaces glutamic acid, which is acidic and polar, with alanine, which is neutral and non-polar, at codon 430 of the PTPRO protein (p.Glu430Ala).